The following is an entry in ClinVar:

NM_000193.4(SHH):c.1319A>G (p.Tyr440Cys)

Gene: SHH (sonic hedgehog signaling molecule; minus strand). Cytogenetic location: 7q36.3.
Variant type: single nucleotide variant.
Coding change: c.1319A>G on transcript NM_000193.4 (MANE Select); coding-DNA position 1319, A replaced by G.
Protein change: p.Tyr440Cys; replaces tyrosine 440 with cysteine.
Molecular consequence: missense variant. On other transcripts: intron variant (1).
Genome position (GRCh38, 1-based): chr7:155,802,970, T>C on the plus strand (A>G on the coding strand, the complement: SHH is on the minus strand). VCF-style: chr7-155802970-T-C. GRCh37 (hg19) VCF-style: chr7-155595664-T-C.
Other names: c.302-2725A>G (NM_001310462.2); short protein forms Y440C.
Identifiers: ClinVar variation 5017243 (VCV005017243.1).

ClinVar aggregate classification (germline): Uncertain significance (1 of 4 stars; one submission).

gnomAD v4.1: 1 of 1,557,484 alleles (0.000064%); highest among the groups gnomAD compares: Non-Finnish European, 0.000087%; no homozygotes.

Submission:

GeneDx
Classification: Uncertain significance. Last evaluated: 2026-03-22. Review status: criteria provided, single submitter. Criteria: GeneDx Variant Classification Process June 2021. Collection method: clinical testing. Allele origin: germline.
Comment: Not observed at significant frequency in large population cohorts (gnomAD); In silico analysis supports that this missense variant has a deleterious effect on protein structure/function; Has not been previously published as pathogenic or benign to our knowledge